The following is an entry in ClinVar:

NM_017617.5(NOTCH1):c.2480_2500del (p.Glu827_Cys833del)

Gene: NOTCH1 (notch receptor 1; minus strand). Cytogenetic location: 9q34.3.
Variant type: Deletion.
Coding change: c.2480_2500del on transcript NM_017617.5 (MANE Select); coding-DNA positions 2480 to 2500, 21 bases deleted (AGGTGGTGCTGGCCCCGTGTG).
Protein change: p.Glu827_Cys833del.
Genome position (GRCh38, 1-based): chr9:136,511,239-136,511,259, CACACGGGGCCAGCACCACCT deleted on the plus strand (AGGTGGTGCTGGCCCCGTGTG on the coding strand, the reverse complement: NOTCH1 is on the minus strand); deleting any 21 consecutive bases within chr9:136,511,239-136,511,265 gives the same sequence; the c. name uses the placement nearest the transcript's 3' end. VCF-style (leftmost placement, unchanged base first): chr9-136511238-GCACACGGGGCCAGCACCACCT-G. GRCh37 (hg19) VCF-style: chr9-139405690-GCACACGGGGCCAGCACCACCT-G.
Identifiers: ClinVar variation 3662829 (VCV003662829.2).

ClinVar aggregate classification (germline): Uncertain significance (1 of 4 stars; one submission).

Conditions:
Adams-Oliver syndrome 5 (AOS5). Identifiers: Orphanet 974, MedGen C4014970, MONDO:0014459, OMIM 616028.

Submission:

Labcorp Genetics (formerly Invitae), Labcorp
Classification: Uncertain significance for Adams-Oliver syndrome 5. Last evaluated: 2024-08-19. Review status: criteria provided, single submitter. Criteria: Invitae Variant Classification Sherloc (09022015). Collection method: clinical testing. Allele origin: germline.
Comment: This variant, c.2480_2500del, results in the deletion of 7 amino acid(s) of the NOTCH1 protein (p.Glu827_Cys833del), but otherwise preserves the integrity of the reading frame. This variant is not present in population databases (gnomAD no frequency). This variant has not been reported in the literature in individuals affected with NOTCH1-related conditions. Experimental studies and prediction algorithms are not available or were not evaluated, and the functional significance of this variant is currently unknown. In summary, the available evidence is currently insufficient to determine the role of this variant in disease. Therefore, it has been classified as a Variant of Uncertain Significance.